The following is an entry in ClinVar:

NM_001289808.2(CRYAB):c.368G>A (p.Arg123Gln)

Gene: CRYAB (crystallin alpha B; minus strand). Cytogenetic location: 11q23.1.
Variant type: single nucleotide variant.
Coding change: c.368G>A on transcript NM_001289808.2 (MANE Select); coding-DNA position 368, G replaced by A.
Protein change: p.Arg123Gln; replaces arginine 123 with glutamine.
Molecular consequence: missense variant.
Genome position (GRCh38, 1-based): chr11:111,908,924, C>T on the plus strand (G>A on the coding strand, the complement: CRYAB is on the minus strand). VCF-style: chr11-111908924-C-T. GRCh37 (hg19) VCF-style: chr11-111779648-C-T.
Other names: c.368G>A, p.Arg123Gln (NM_001289807.1, NM_001368245.1, NM_001885.3); c.167G>A, p.Arg56Gln (NM_001330379.1, NM_001368246.1); short protein forms R123Q, R56Q.
Identifiers: ClinVar variation 228541 (VCV000228541.16), dbSNP rs782206421, ClinGen allele CA6275470.

ClinVar aggregate classification (germline): Uncertain significance. Review status: criteria provided, multiple submitters, no conflicts (2 of 4 stars). 4 submissions from 4 submitters: Uncertain significance (4). Last evaluated 2025-12-21.

Conditions:
Cardiovascular phenotype. Identifiers: MedGen CN230736.
Dilated cardiomyopathy 1II (CMD1II). Identifiers: Orphanet 154, MedGen C3554649, MONDO:0014073, OMIM 615184.

Allele frequency attached by ClinVar (database versions not stated): gnomAD exomes 0.00001 and 0.00003; ExAC 0.00002; TOPMed 0.00002; gnomAD 0.00003.
gnomAD v4.1: 19 of 1,613,918 alleles (0.0012%); highest among the groups gnomAD compares: Middle Eastern, 0.016%; no homozygotes.

Submissions (4):

Labcorp Genetics (formerly Invitae), Labcorp
Classification: Uncertain significance for Dilated cardiomyopathy 1II. Last evaluated: 2025-12-21. Review status: criteria provided, single submitter. Criteria: Invitae Variant Classification Sherloc (09022015). Collection method: clinical testing. Allele origin: germline.
Comment: This sequence change replaces arginine, which is basic and polar, with glutamine, which is neutral and polar, at codon 123 of the CRYAB protein (p.Arg123Gln). This variant is present in population databases (rs782206421, gnomAD 0.01%). This missense change has been observed in individual(s) with clinical features of autosomal dominant CRYAB-related conditions (PMID: 41153379; internal data). ClinVar contains an entry for this variant (Variation ID: 228541). An algorithm developed to predict the effect of missense changes on protein structure and function (PolyPhen-2) suggests that this variant is likely to be disruptive. In summary, the available evidence is currently insufficient to determine the role of this variant in disease. Therefore, it has been classified as a Variant of Uncertain Significance.

Mayo Clinic Laboratories, Mayo Clinic
Classification: Uncertain significance. Last evaluated: 2024-07-16. Review status: criteria provided, single submitter. Criteria: ACMG Guidelines, 2015. Collection method: clinical testing. Allele origin: germline. Observed: 1 variant allele.

Ambry Genetics
Classification: Uncertain significance for Cardiovascular phenotype. Last evaluated: 2022-12-18. Review status: criteria provided, single submitter. Criteria: Ambry Variant Classification Scheme 2023. Collection method: clinical testing. Allele origin: germline.
Comment: The p.R123Q variant (also known as c.368G>A), located in coding exon 3 of the CRYAB gene, results from a G to A substitution at nucleotide position 368. The arginine at codon 123 is replaced by glutamine, an amino acid with highly similar properties. This amino acid position is well conserved in available vertebrate species. In addition, the in silico prediction for this alteration is inconclusive. Since supporting evidence is limited at this time, the clinical significance of this alteration remains unclear.

Laboratory for Molecular Medicine, Mass General Brigham Personalized Medicine
Classification: Uncertain significance. Last evaluated: 2015-11-24. Review status: criteria provided, single submitter. Criteria: LMM Criteria. Collection method: clinical testing. Allele origin: germline. Observed: 1 variant allele.
Comment: The p.Arg123Gln variant in CRYAB has not been previously reported in individuals with cardiomyopathy, but has been identified in 1/16496 South Asian chromosomes by the Exome Aggregation Consortium (ExAC). Com putational prediction tools and conservation analysis do not provide strong supp ort for or against an impact to the protein. In summary, the clinical significan ce of the p.Arg123Gln variant is uncertain.

Literature cited by the submitters: PubMed 41153379 (cited by Labcorp Genetics (formerly Invitae), Labcorp); PubMed 32430163 (cited by Mayo Clinic Laboratories, Mayo Clinic); PubMed 37435054 (cited by Mayo Clinic Laboratories, Mayo Clinic); PubMed 38307443 (cited by Mayo Clinic Laboratories, Mayo Clinic).